The following is an entry in ClinVar:

ClinVar aggregate classification (germline): Conflicting classifications of pathogenicity. Review status: criteria provided, conflicting classifications (1 of 4 stars). 3 submissions from 3 submitters: Uncertain significance (2); Likely benign (1). Last evaluated 2025-01-23.

Conditions:
Emery-Dreifuss muscular dystrophy 5, autosomal dominant (EDMD5). Also called: EMERY-DREIFUSS MUSCULAR DYSTROPHY 5. Identifiers: Orphanet 261, MedGen C2751805, MONDO:0013072, OMIM 612999.

Allele frequency attached by ClinVar (database versions not stated): gnomAD exomes 0.00001; gnomAD 0.00021 and 0.00022; TOPMed 0.00026; 1000 Genomes Project 30x 0.00031; ESP Exome Variant Server 0.00031; 1000 Genomes Project 0.00040.
gnomAD v4.1: 53 of 1,614,188 alleles (0.0033%); highest among the groups gnomAD compares: African/African-American, 0.067%; no homozygotes.

Submissions (3):

Labcorp Genetics (formerly Invitae), Labcorp
Classification: Uncertain significance for Emery-Dreifuss muscular dystrophy 5, autosomal dominant. Last evaluated: 2025-01-23. Review status: criteria provided, single submitter. Criteria: Invitae Variant Classification Sherloc (09022015). Collection method: clinical testing. Allele origin: germline.
Comment: This sequence change replaces proline, which is neutral and non-polar, with serine, which is neutral and polar, at codon 4473 of the SYNE2 protein (p.Pro4473Ser). This variant is present in population databases (rs146894065, gnomAD 0.07%), and has an allele count higher than expected for a pathogenic variant. This variant has not been reported in the literature in individuals affected with SYNE2-related conditions. ClinVar contains an entry for this variant (Variation ID: 130472). An algorithm developed to predict the effect of missense changes on protein structure and function (PolyPhen-2) suggests that this variant is likely to be disruptive. In summary, the available evidence is currently insufficient to determine the role of this variant in disease. Therefore, it has been classified as a Variant of Uncertain Significance.

Ambry Genetics
Classification: Uncertain significance. Last evaluated: 2024-05-02. Review status: criteria provided, single submitter. Criteria: Ambry Variant Classification Scheme 2023. Collection method: clinical testing. Allele origin: germline.

Genetic Services Laboratory, University of Chicago
Classification: Likely benign. Last evaluated: 2014-10-01. Review status: criteria provided, single submitter. Criteria: ACMG Guidelines, 2015. Collection method: clinical testing. Allele origin: germline.

NM_182914.3(SYNE2):c.13417C>T (p.Pro4473Ser)

Gene: SYNE2 (spectrin repeat containing nuclear envelope protein 2; plus strand). Cytogenetic location: 14q23.2.
Variant type: single nucleotide variant.
Coding change: c.13417C>T on transcript NM_182914.3 (MANE Select); coding-DNA position 13417, C replaced by T.
Protein change: p.Pro4473Ser; replaces proline 4473 with serine.
Molecular consequence: missense variant.
Genome position (GRCh38, 1-based): chr14:64,122,422, C>T. VCF-style: chr14-64122422-C-T. GRCh37 (hg19) VCF-style: chr14-64589140-C-T.
Other names: c.13417C>T, p.Pro4473Ser (NM_015180.6); short protein forms P4473S.
Identifiers: ClinVar variation 130472 (VCV000130472.14), dbSNP rs146894065, ClinGen allele CA155533.